The following is an entry in ClinVar:

NM_172107.4(KCNQ2):c.611A>G (p.Gln204Arg)

Gene: KCNQ2 (potassium voltage-gated channel subfamily Q member 2; minus strand). Cytogenetic location: 20q13.33.
Variant type: single nucleotide variant.
Coding change: c.611A>G on transcript NM_172107.4 (MANE Select); coding-DNA position 611, A replaced by G.
Protein change: p.Gln204Arg; replaces glutamine 204 with arginine.
Molecular consequence: missense variant.
Genome position (GRCh38, 1-based): chr20:63,444,738, T>C on the plus strand (A>G on the coding strand, the complement: KCNQ2 is on the minus strand). VCF-style: chr20-63444738-T-C. GRCh37 (hg19) VCF-style: chr20-62076091-T-C.
Other names: p.Q204R:CAG>CGG; c.611A>G, p.Gln204Arg (NM_004518.6, NM_172106.3, NM_172108.5 and 1 more transcripts); short protein forms Q204R.
Identifiers: ClinVar variation 205870 (VCV000205870.2), dbSNP rs796052624, ClinGen allele CA315365.
Genomic context (GRCh38, chr20:63,444,738, plus strand): 5'-ACAGAGCCCAGCAGCTTCCAGGTGCCTCCCCGCCGGTCCATGCGGATCATCCGCAGAATC[T>C]GCAGGAAGCGCAGGCTCCGGAGCGCAGATGTGGCAAAGACGTTGCCCTGGGAGCCGGCGG-3'
Protein context (NP_742105.1, residues 194-214): TSALRSLRFL[Gln204Arg]ILRMIRMDRR

ClinVar aggregate classification (germline): Pathogenic (1 of 4 stars; one submission).

Submission:

GeneDx
Classification: Pathogenic. Last evaluated: 2012-09-11. Review status: criteria provided, single submitter. Criteria: GeneDx Variant Classification (06012015). Collection method: clinical testing. Allele origin: germline. Affected: yes.
Comment: p.Gln204Arg (CAG>CGG):c.611 A>G in exon 4 of the KCNQ2 gene (NM_172107.2)The Gln204Arg missense change has not been published as a mutation, nor has it been reported as a benign polymorphism to our knowledge. The NHLBI ESP Exome Variant Project has not identified Gln204ARg in approximately 6,500 individuals of European or African American ethnicity, indicating that it is not a common benign variant in these populations. The amino acid substitution is non-conservative, as an uncharged Glutamine is replaced by a positively charged Arginine. It alters a highly conserved position in the fourth transmembrane domain of the protein, and multiple missense mutations have been reported in this region in association with both benign neonatal seizures and epileptic encephalopathy. Several in silico algorithms also predict that Gln204Arg may be damaging to protein structure/function, although one model suggests it may be benign. Therefore, Gln204Arg is a strong candidate for a disease-causing mutation, but the possibility that it is a benign variant cannot be excluded at this time. The variant is found in INFANT-EPI panel(s).